The following is an entry in ClinVar:

NM_000080.4(CHRNE):c.519C>T (p.Ala173=)

Genes: C17orf107 (chromosome 17 open reading frame 107; plus strand), CHRNE (cholinergic receptor nicotinic epsilon subunit; minus strand). Cytogenetic location: 17p13.2.
Variant type: single nucleotide variant.
Coding change: c.519C>T on transcript NM_000080.4 (MANE Select); coding-DNA position 519, C replaced by T.
Protein change: p.Ala173=; no amino-acid change (alanine 173 retained).
Molecular consequence: synonymous variant. On other transcripts: 3 prime UTR variant (1).
Genome position (GRCh38, 1-based): chr17:4,901,607, G>A on the plus strand (C>T on the coding strand, the complement: CHRNE is on the minus strand). VCF-style: chr17-4901607-G-A. GRCh37 (hg19) VCF-style: chr17-4804902-G-A.
Other names: p.Ala173=; c.*1074G>A (NM_001145536.2).
Identifiers: ClinVar variation 128767 (VCV000128767.23), dbSNP rs33970119, ClinGen allele CA152416.

ClinVar aggregate classification (germline): Benign. Review status: criteria provided, multiple submitters, no conflicts (2 of 4 stars). 9 submissions from 9 submitters: Benign (7). 2 of the submissions do not count toward it. Last evaluated 2026-02-04.

Conditions:
Congenital myasthenic syndrome (CMS). Also called: Congenital Myasthenic Syndromes. Identifiers: Orphanet 590, MedGen C0751882, MeSH D020294, MONDO:0018940.
Congenital myasthenic syndrome 4A. Also called: MYASTHENIC SYNDROME, CONGENITAL, 4A, SLOW-CHANNEL, AUTOSOMAL RECESSIVE; Myasthenic syndrome, congenital, 4a, slow-channel; CONGENITAL MYASTHENIC SYNDROME TYPE Ia1. Identifiers: Orphanet 590, MedGen C4225413, MONDO:0011600, OMIM 605809.

Allele frequency attached by ClinVar (database versions not stated): 1000 Genomes Project 0.01997; 1000 Genomes Project 30x 0.02061; ExAC 0.03697; gnomAD exomes 0.03718 and 0.05327; gnomAD 0.03851 and 0.03958; TOPMed 0.03914; ESP Exome Variant Server 0.04467.
gnomAD v4.1: 83,513 of 1,613,756 alleles (5.2%); highest among the groups gnomAD compares: Non-Finnish European, 6.2%; 2,544 homozygotes.

Submissions (9):

Labcorp Genetics (formerly Invitae), Labcorp
Classification: Benign for Congenital myasthenic syndrome 4A. Last evaluated: 2026-02-04. Review status: criteria provided, single submitter. Criteria: Invitae Variant Classification Sherloc (09022015). Collection method: clinical testing. Allele origin: germline.

Athena Diagnostics
Classification: Benign. Last evaluated: 2024-11-13. Review status: criteria provided, single submitter. Criteria: Athena Diagnostics Criteria. Collection method: clinical testing. Allele origin: unknown.

Mayo Clinic Laboratories, Mayo Clinic
Classification: Benign. Last evaluated: 2018-08-09. Review status: criteria provided, single submitter. Criteria: ACMG Guidelines, 2015. Collection method: clinical testing. Allele origin: germline. Observed: 39 variant alleles.

Illumina Laboratory Services, Illumina
Classification: Benign for Congenital myasthenic syndrome. Last evaluated: 2018-01-13. Review status: criteria provided, single submitter. Criteria: ICSL Variant Classification Criteria 13 December 2019. Collection method: clinical testing. Allele origin: germline.
Comment: This variant was observed in the ICSL laboratory as part of a predisposition screen in an ostensibly healthy population. It had not been previously curated by ICSL or reported in the Human Gene Mutation Database (HGMD: prior to June 1st, 2018), and was therefore a candidate for classification through an automated scoring system. Utilizing variant allele frequency, disease prevalence and penetrance estimates, and inheritance mode, an automated score was calculated to assess if this variant is too frequent to cause the disease. Based on the score and internal cut-off values, a variant classified as benign is not then subjected to further curation. The score for this variant resulted in a classification of benign for this disease.

GeneDx
Classification: Benign. Last evaluated: 2016-10-12. Review status: criteria provided, single submitter. Criteria: GeneDx Variant Classification (06012015). Collection method: clinical testing. Allele origin: germline. Affected: yes.
Comment: This variant is considered likely benign or benign based on one or more of the following criteria: it is a conservative change, it occurs at a poorly conserved position in the protein, it is predicted to be benign by multiple in silico algorithms, and/or has population frequency not consistent with disease.

Breakthrough Genomics
Classification: Benign. Review status: criteria provided, single submitter. Criteria: ACMG Guidelines, 2015. Collection method: not provided. Allele origin: germline. Inheritance: Autosomal recessive inheritance. Affected: yes.

PreventionGenetics, part of Exact Sciences
Classification: Benign. Review status: criteria provided, single submitter. Criteria: ACMG Guidelines, 2015. Collection method: clinical testing. Allele origin: germline.

Natera, Inc.
Classification: Benign for Congenital myasthenic syndrome. Last evaluated: 2020-09-16. Review status: no assertion criteria provided. Collection method: clinical testing. Allele origin: germline. Not counted in ClinVar's aggregate classification.

Genetic Services Laboratory, University of Chicago
Classification: Likely benign for AllHighlyPenetrant. Review status: no assertion criteria provided. Collection method: clinical testing. Allele origin: germline. Not counted in ClinVar's aggregate classification.
Comment: Likely benign based on allele frequency in 1000 Genomes Project or ESP global frequency and its presence in a patient with a rare or unrelated disease phenotype. NOT Sanger confirmed.